The following is an entry in ClinVar:

NM_000238.4(KCNH2):c.940G>A (p.Gly314Ser)

Gene: KCNH2 (potassium voltage-gated channel subfamily H member 2; minus strand). Cytogenetic location: 7q36.1.
Variant type: single nucleotide variant.
Coding change: c.940G>A on transcript NM_000238.4 (MANE Select); coding-DNA position 940, G replaced by A.
Protein change: p.Gly314Ser; replaces glycine 314 with serine.
Molecular consequence: missense variant.
Genome position (GRCh38, 1-based): chr7:150,957,479, C>T on the plus strand (G>A on the coding strand, the complement: KCNH2 is on the minus strand). VCF-style: chr7-150957479-C-T. GRCh37 (hg19) VCF-style: chr7-150654567-C-T.
Other names: c.940G>A (LRG_288t1); c.652G>A, p.Gly218Ser (NM_001406753.1, NM_001406756.1); c.763G>A, p.Gly255Ser (NM_001406755.1); c.640G>A, p.Gly214Ser (NM_001406757.1); c.940G>A, p.Gly314Ser (NM_172056.3); short protein forms G314S, G218S, G255S, G214S.
Identifiers: ClinVar variation 67548 (VCV000067548.6), dbSNP rs199473504, ClinGen allele CA009016.

ClinVar aggregate classification (germline): Uncertain significance. Review status: criteria provided, multiple submitters, no conflicts (2 of 4 stars). 3 submissions from 3 submitters: Uncertain significance (2). 1 of the submissions does not count toward it. Last evaluated 2025-06-09.

Conditions:
Familial long QT syndrome (RWS). Also called: Congenital long QT syndrome; Romano-Ward syndrome; VENTRICULAR FIBRILLATION WITH PROLONGED QT INTERVAL. Identifiers: Orphanet 768, MedGen C1141890, MONDO:0019171.
Long QT syndrome (LQTS). Identifiers: MedGen C0023976, MeSH D008133, MONDO:0002442. Disease mechanism: loss of function. Inheritance: Various modes of inheritance.

Allele frequency attached by ClinVar (database versions not stated): gnomAD exomes below 0.00001; gnomAD 0.00002 and 0.00001; TOPMed below 0.00001; ExAC below 0.00001.
gnomAD v4.1: 8 of 1,613,720 alleles (0.0005%); highest among the groups gnomAD compares: South Asian, 0.0022%; no homozygotes.

Submissions (3):

Labcorp Genetics (formerly Invitae), Labcorp
Classification: Uncertain significance for Long QT syndrome. Last evaluated: 2025-06-09. Review status: criteria provided, single submitter. Criteria: Invitae Variant Classification Sherloc (09022015). Collection method: clinical testing. Allele origin: germline.
Comment: This sequence change replaces glycine, which is neutral and non-polar, with serine, which is neutral and polar, at codon 314 of the KCNH2 protein (p.Gly314Ser). The frequency data for this variant in the population databases is considered unreliable, as metrics indicate poor data quality at this position in the gnomAD database. This missense change has been observed in individual(s) with referral for the Long QT syndrome clinical genetic test. (PMID: 19716085). ClinVar contains an entry for this variant (Variation ID: 67548). An algorithm developed to predict the effect of missense changes on protein structure and function outputs the following: PolyPhen-2: "Benign". The serine amino acid residue is found in multiple mammalian species, which suggests that this missense change does not adversely affect protein function. Experimental studies have shown that this missense change does not substantially affect KCNH2 function (PMID: 31493592). In summary, the available evidence is currently insufficient to determine the role of this variant in disease. Therefore, it has been classified as a Variant of Uncertain Significance.

All of Us Research Program, National Institutes of Health
Classification: Uncertain significance for Long QT syndrome. Last evaluated: 2023-11-30. Review status: criteria provided, single submitter. Criteria: ACMG Guidelines, 2015. Collection method: clinical testing. Allele origin: germline. Inheritance: Autosomal dominant inheritance. Observed: 1 variant allele, 1 heterozygote.
Comment: This study involves interpretation of variants in research participants for the purpose of population health screening. Participant phenotype was not available at the time of variant classification. Additional details can be found in publication PMID: 35346344, PMCID: PMC8962531

Cardiovascular Biomedical Research Unit, Royal Brompton & Harefield NHS Foundation Trust
No classification provided. Condition: Familial long QT syndrome. Review status: no classification provided. Collection method: literature only. Allele origin: germline. Not counted in ClinVar's aggregate classification.
Comment: This variant has been reported as associated with Long QT syndrome in the following publications (PMID:19716085). This is a literature report, and does not necessarily reflect the clinical interpretation of the Imperial College / Royal Brompton Cardiovascular Genetics laboratory.

Literature cited by the submitters: PubMed 19716085 (cited by Labcorp Genetics (formerly Invitae), Labcorp and Cardiovascular Biomedical Research Unit, Royal Brompton & Harefield NHS Foundation Trust); PubMed 31493592 (cited by Labcorp Genetics (formerly Invitae), Labcorp); PubMed 22581653 (cited by Cardiovascular Biomedical Research Unit, Royal Brompton & Harefield NHS Foundation Trust).